The following is an entry in ClinVar:

NM_015922.3(NSDHL):c.958C>G (p.Leu320Val)

Gene: NSDHL (NAD(P) dependent 3-beta-hydroxysteroid dehydrogenase NSDHL; plus strand). Cytogenetic location: Xq28.
Variant type: single nucleotide variant.
Coding change: c.958C>G on transcript NM_015922.3 (MANE Select); coding-DNA position 958, C replaced by G.
Protein change: p.Leu320Val; replaces leucine 320 with valine.
Molecular consequence: missense variant.
Genome position (GRCh38, 1-based): chrX:152,868,952, C>G. VCF-style: chrX-152868952-C-G. GRCh37 (hg19) VCF-style: chrX-152037496-C-G.
Other names: c.958C>G, p.Leu320Val (NM_001129765.2, NM_001441099.1); short protein forms L320V.
Identifiers: ClinVar variation 4718426 (VCV004718426.1).

ClinVar aggregate classification (germline): Uncertain significance (1 of 4 stars; one submission).

Submission:

Labcorp Genetics (formerly Invitae), Labcorp
Classification: Uncertain significance. Last evaluated: 2025-06-15. Review status: criteria provided, single submitter. Criteria: Invitae Variant Classification Sherloc (09022015). Collection method: clinical testing. Allele origin: germline.
Comment: This sequence change replaces leucine, which is neutral and non-polar, with valine, which is neutral and non-polar, at codon 320 of the NSDHL protein (p.Leu320Val). This variant is not present in population databases (gnomAD no frequency). This variant has not been reported in the literature in individuals affected with NSDHL-related conditions. An algorithm developed to predict the effect of missense changes on protein structure and function outputs the following: PolyPhen-2: "Benign". The valine amino acid residue is found in multiple mammalian species, which suggests that this missense change does not adversely affect protein function. In summary, the available evidence is currently insufficient to determine the role of this variant in disease. Therefore, it has been classified as a Variant of Uncertain Significance.